The following is an entry in ClinVar:

NM_001267550.2(TTN):c.48813del (p.Ala16272fs)

Genes: TTN (titin; minus strand), TTN-AS1 (TTN antisense RNA 1; plus strand), LOC126806426 (BRD4-independent group 4 enhancer GRCh37_chr2:179478848-179480047; plus strand). Cytogenetic location: 2q31.2.
Variant type: Deletion.
Coding change: c.48813del on transcript NM_001267550.2 (MANE Select); coding-DNA position 48813, one base deleted (A; older notation c.48813delA).
Protein change: p.Ala16272fs; shifts the reading frame from alanine 16272.
Molecular consequence: frameshift variant. On other transcripts: non-coding transcript variant (1).
Genome position (GRCh38, 1-based): chr2:178,614,701, T deleted on the plus strand (A on the coding strand, the reverse complement: TTN is on the minus strand); the first of 4 consecutive T bases (chr2:178,614,701-178,614,704); deleting any one gives the same sequence. VCF-style (leftmost placement, unchanged base first): chr2-178614700-CT-C. GRCh37 (hg19) VCF-style: chr2-179479427-CT-C.
Other names: c.43890del, p.Ala14631fs (NM_001256850.1); c.21618del, p.Ala7207fs (NM_003319.4); c.41109del, p.Ala13704fs (NM_133378.4); c.21993del, p.Ala7332fs (NM_133432.3); c.22194del, p.Ala7399fs (NM_133437.4); c.21618delA (NM_003319.4); short protein forms A13704fs, A14631fs, A16272fs, A7207fs, A7332fs, A7399fs.
Identifiers: ClinVar variation 3223220 (VCV003223220.1), dbSNP rs2470682520, ClinGen allele CA2825001039.

ClinVar aggregate classification (germline): Likely pathogenic (1 of 4 stars; one submission).

Conditions:
Cardiovascular phenotype. Identifiers: MedGen CN230736.

Submission:

Ambry Genetics
Classification: Likely pathogenic for Cardiovascular phenotype. Last evaluated: 2024-03-12. Review status: criteria provided, single submitter. Criteria: Ambry Variant Classification Scheme 2023. Collection method: clinical testing. Allele origin: germline.
Comment: The c.21618delA variant, located in coding exon 88 of the TTN gene, results from a deletion of one nucleotide at nucleotide position 21618, causing a translational frameshift with a predicted alternate stop codon (p.A7207Lfs*11). This exon is located in the A-band region of the N2-B isoform of the titin protein and is constitutively expressed in TTN transcripts (percent spliced in or PSI 100%). This variant is considered to be rare based on population cohorts in the Genome Aggregation Database (gnomAD). This alteration is expected to result in loss of function by premature protein truncation or nonsense-mediated mRNA decay. While truncating variants in TTN are present in 1-3% of the general population, truncating variants in the A-band are the most common cause of dilated cardiomyopathy (DCM) (Herman DS et al. N. Engl. J. Med., 2012 Feb;366:619-28; Roberts AM et al. Sci Transl Med, 2015 Jan;7:270ra6). TTN truncating variants encoded in constitutive exons (PSI >90%) have been found to be significantly associated with DCM regardless of their position in titin (Schafer S et al. Nat. Genet., 2017 01;49:46-53). Based on the majority of available evidence to date, this variant is likely to be pathogenic.